The following is an entry in ClinVar:

ClinVar aggregate classification (germline): Benign/Likely benign. Review status: criteria provided, multiple submitters, no conflicts (2 of 4 stars). 3 submissions from 3 submitters: Benign (1); Likely benign (2). Last evaluated 2026-05-18.

Conditions:
Neurofibromatosis, type 1 (NF1). Also called: VON RECKLINGHAUSEN DISEASE; Neurofibromatosis, type I; NEUROFIBROMATOSIS, TYPE I, SOMATIC; Peripheral type neurofibromatosis. Identifiers: Orphanet 636, MedGen C0027831, MONDO:0018975, OMIM 162200. Disease mechanism: loss of function.
Hereditary cancer-predisposing syndrome. Also called: Neoplastic Syndromes, Hereditary; Tumor predisposition; Hereditary Cancer Syndrome; Hereditary neoplastic syndrome. Identifiers: Orphanet 140162, MedGen C0027672, MeSH D009386, MONDO:0015356.
Cardiovascular phenotype. Identifiers: MedGen CN230736.

Submissions (3):

Myriad Genetics, Inc.
Classification: Benign for Neurofibromatosis, type 1. Last evaluated: 2026-05-18. Review status: criteria provided, single submitter. Criteria: Myriad Autosomal Dominant, Autosomal Recessive and X-Linked Classification Criteria (2023). Collection method: clinical testing. Allele origin: unknown.
Comment: This variant is considered benign. This variant is a silent/synonymous amino acid change and it is not expected to impact splicing.

Labcorp Genetics (formerly Invitae), Labcorp
Classification: Likely benign for Neurofibromatosis, type 1. Last evaluated: 2024-08-20. Review status: criteria provided, single submitter. Criteria: Invitae Variant Classification Sherloc (09022015). Collection method: clinical testing. Allele origin: germline.

Ambry Genetics
Classification: Likely benign for Cardiovascular phenotype; Hereditary cancer-predisposing syndrome. Last evaluated: 2022-02-12. Review status: criteria provided, single submitter. Criteria: Ambry Variant Classification Scheme 2023. Collection method: clinical testing. Allele origin: germline.

NM_001042492.3(NF1):c.2578C>T (p.Leu860=)

Gene: NF1 (neurofibromin 1; plus strand). Cytogenetic location: 17q11.2.
Variant type: single nucleotide variant.
Coding change: c.2578C>T on transcript NM_001042492.3 (MANE Select); coding-DNA position 2578, C replaced by T.
Protein change: p.Leu860=; no amino-acid change (leucine 860 retained).
Molecular consequence: synonymous variant.
Genome position (GRCh38, 1-based): chr17:31,229,193, C>T. VCF-style: chr17-31229193-C-T. GRCh37 (hg19) VCF-style: chr17-29556211-C-T.
Other names: c.2578C>T, p.Leu860= (NM_000267.4).
Identifiers: ClinVar variation 1595392 (VCV001595392.11), dbSNP rs1597715404, ClinGen allele CA499444367.
Genomic context (GRCh38, chr17:31,229,193, plus strand): 5'-ATGACTGGCTTCCTTTGTGCCCTTGGGGGAGTGTGCCTCCAGCAGAGAAGCAATTCTGGC[C>T]TGGCAACCTATAGCCCACCCATGGGTCCAGTCAGTGAACGTAAGGGTTCTATGATTTCAG-3'
Protein context (NP_001035957.1, residues 850-870): VCLQQRSNSG[Leu860=]ATYSPPMGPV